The following is an entry in ClinVar:

NM_004456.5(EZH2):c.432T>G (p.Thr144=)

Gene: EZH2 (enhancer of zeste 2 polycomb repressive complex 2 subunit; minus strand). Cytogenetic location: 7q36.1.
Variant type: single nucleotide variant.
Coding change: c.432T>G on transcript NM_004456.5 (MANE Select); coding-DNA position 432, T replaced by G.
Protein change: p.Thr144=; no amino-acid change (threonine 144 retained).
Molecular consequence: synonymous variant.
Genome position (GRCh38, 1-based): chr7:148,829,780, A>C on the plus strand (T>G on the coding strand, the complement: EZH2 is on the minus strand). VCF-style: chr7-148829780-A-C. GRCh37 (hg19) VCF-style: chr7-148526872-A-C.
Other names: c.432T>G, p.Thr144= (NM_001203247.2); c.405T>G, p.Thr135= (NM_001203248.2, NM_001203249.2); c.315T>G, p.Thr105= (NM_152998.3).
Identifiers: ClinVar variation 1521439 (VCV001521439.6), dbSNP rs2129476946, ClinGen allele CA458350958.

ClinVar aggregate classification (germline): Uncertain significance (1 of 4 stars; one submission).

Conditions:
Weaver syndrome (WVS). Also called: Weaver Smith syndrome; Overgrowth syndrome with accelerated skeletal maturation, unusual facies, and camptodactyly. Identifiers: Orphanet 3447, MedGen C0265210, MONDO:0010193, OMIM 277590.

Submission:

Labcorp Genetics (formerly Invitae), Labcorp
Classification: Uncertain significance for Weaver syndrome. Last evaluated: 2023-11-27. Review status: criteria provided, single submitter. Criteria: Invitae Variant Classification Sherloc (09022015). Collection method: clinical testing. Allele origin: germline.
Comment: This sequence change affects codon 144 of the EZH2 mRNA. It is a 'silent' change, meaning that it does not change the encoded amino acid sequence of the EZH2 protein. This variant is not present in population databases (gnomAD no frequency). This variant has not been reported in the literature in individuals affected with EZH2-related conditions. ClinVar contains an entry for this variant (Variation ID: 1521439). Algorithms developed to predict the effect of sequence changes on RNA splicing suggest that this variant may create or strengthen a splice site. In summary, the available evidence is currently insufficient to determine the role of this variant in disease. Therefore, it has been classified as a Variant of Uncertain Significance.